The following is an entry in ClinVar:

NM_001018115.3(FANCD2):c.280del (p.Glu94fs)

Genes: FANCD2 (FA complementation group D2; plus strand), LOC107303338 (3p25 FANCD2 Alu-mediated recombination region; plus strand). Cytogenetic location: 3p25.3.
Variant type: Deletion.
Coding change: c.280del on transcript NM_001018115.3 (MANE Select); coding-DNA position 280, one base deleted (G; older notation c.280delG).
Protein change: p.Glu94fs; shifts the reading frame from glutamic acid 94.
Molecular consequence: frameshift variant.
Genome position (GRCh38, 1-based): chr3:10,034,701, G deleted. VCF-style (leftmost placement, unchanged base first): chr3-10034700-AG-A. GRCh37 (hg19) VCF-style: chr3-10076384-AG-A.
Other names: c.280del, p.Glu94fs (NM_001319984.2, NM_001374253.1, NM_001374254.1 and 2 more transcripts); short protein forms E94fs.
Identifiers: ClinVar variation 2760249 (VCV002760249.3), dbSNP rs2470719043, ClinGen allele CA2697550682.
Genomic context (GRCh38, chr3:10,034,700, plus strand): 5'-CAGCAAATATTAAACTAAAAATTTTATTCTTTTTTATTTTTTAAATCTCCTTAAGATAAT[AG>A]AAGAATTTGTTAGTGGCCTGGAGTCTTACATTGAGGATGAAGACAGTTTCAGGAACTGCC-3'

ClinVar aggregate classification (germline): Pathogenic (1 of 4 stars; one submission).

Conditions:
Fanconi anemia (FA). Also called: Fanconi's anemia. Identifiers: Orphanet 84, MedGen C0015625, MeSH D005199, MONDO:0019391.

Submission:

Labcorp Genetics (formerly Invitae), Labcorp
Classification: Pathogenic for Fanconi anemia. Last evaluated: 2023-09-12. Review status: criteria provided, single submitter. Criteria: Invitae Variant Classification Sherloc (09022015). Collection method: clinical testing. Allele origin: germline.
Comment: For these reasons, this variant has been classified as Pathogenic. This variant has not been reported in the literature in individuals affected with FANCD2-related conditions. This variant is not present in population databases (gnomAD no frequency). This sequence change creates a premature translational stop signal (p.Glu94Lysfs*87) in the FANCD2 gene. It is expected to result in an absent or disrupted protein product. Loss-of-function variants in FANCD2 are known to be pathogenic (PMID: 17436244).

Literature cited by the submitters: PubMed 17436244.